The following is an entry in ClinVar:

ClinVar aggregate classification (germline): Uncertain significance (1 of 4 stars; one submission).

Conditions:
Arrhythmogenic right ventricular dysplasia 12. Also called: ARRHYTHMOGENIC RIGHT VENTRICULAR DYSPLASIA, FAMILIAL, 12. Identifiers: MedGen C1969081, MONDO:0012684, OMIM 611528.
Naxos disease (NXD). Also called: PALMOPLANTAR KERATODERMA WITH ARRHYTHMOGENIC RIGHT VENTRICULAR CARDIOMYOPATHY AND WOOLLY HAIR; WOOLLY HAIR, PALMOPLANTAR KERATODERMA, AND CARDIAC ABNORMALITIES; CARDIOMYOPATHY, ARRHYTHMOGENIC RIGHT VENTRICULAR, WITH SKIN, HAIR, AND NAIL ABNORMALITIES; KERATOSIS PALMOPLANTARIS WITH ARRHYTHMOGENIC CARDIOMYOPATHY; MAL DE NAXOS. Identifiers: Orphanet 34217, MedGen C1832600, MONDO:0011017, OMIM 601214.

gnomAD v4.1: 1 of 1,614,204 alleles (0.000062%); highest among the groups gnomAD compares: Non-Finnish European, 0.000085%; no homozygotes.

Submission:

Labcorp Genetics (formerly Invitae), Labcorp
Classification: Uncertain significance for Arrhythmogenic right ventricular dysplasia 12; Naxos disease. Last evaluated: 2024-10-12. Review status: criteria provided, single submitter. Criteria: Invitae Variant Classification Sherloc (09022015). Collection method: clinical testing. Allele origin: germline.
Comment: This sequence change replaces lysine, which is basic and polar, with arginine, which is basic and polar, at codon 656 of the JUP protein (p.Lys656Arg). This variant is not present in population databases (gnomAD no frequency). This variant has not been reported in the literature in individuals affected with JUP-related conditions. An algorithm developed to predict the effect of missense changes on protein structure and function (PolyPhen-2) suggests that this variant is likely to be tolerated. In summary, the available evidence is currently insufficient to determine the role of this variant in disease. Therefore, it has been classified as a Variant of Uncertain Significance.

NM_002230.4(JUP):c.1967A>G (p.Lys656Arg)

Gene: JUP (junction plakoglobin; minus strand). Cytogenetic location: 17q21.2.
Variant type: single nucleotide variant.
Coding change: c.1967A>G on transcript NM_002230.4 (MANE Select); coding-DNA position 1967, A replaced by G.
Protein change: p.Lys656Arg; replaces lysine 656 with arginine.
Molecular consequence: missense variant.
Genome position (GRCh38, 1-based): chr17:41,757,494, T>C on the plus strand (A>G on the coding strand, the complement: JUP is on the minus strand). VCF-style: chr17-41757494-T-C. GRCh37 (hg19) VCF-style: chr17-39913746-T-C.
Other names: c.1967A>G, p.Lys656Arg (NM_001352773.2, NM_001352774.2, NM_001352775.2 and 3 more transcripts); short protein forms K656R.
Identifiers: ClinVar variation 3763949 (VCV003763949.2).